The following is an entry in ClinVar:

NM_032242.4(PLXNA1):c.2185G>A (p.Ala729Thr)

Gene: PLXNA1 (plexin A1; plus strand). Cytogenetic location: 3q21.3.
Variant type: single nucleotide variant.
Coding change: c.2185G>A on transcript NM_032242.4 (MANE Select); coding-DNA position 2185, G replaced by A.
Protein change: p.Ala729Thr; replaces alanine 729 with threonine.
Molecular consequence: missense variant.
Genome position (GRCh38, 1-based): chr3:127,012,030, G>A. VCF-style: chr3-127012030-G-A. GRCh37 (hg19) VCF-style: chr3-126730873-G-A.
Other names: short protein forms A729T.
Identifiers: ClinVar variation 4988912 (VCV004988912.1).
Genomic context (GRCh38, chr3:127,012,030, plus strand): 5'-ATCCTGCCCTCCACGCAGATCTACGTGCCAGTGGGAGTGGTAAAACCCATCACCCTGGCC[G>A]CACGGAACCTGCCACAGCCACAGTCAGGCCAGCGTGGATATGAGTGCCTCTTCCACATCC-3'
Protein context (NP_115618.3, residues 719-739): VGVVKPITLA[Ala729Thr]RNLPQPQSGQ

ClinVar aggregate classification (germline): Uncertain significance (1 of 4 stars; one submission).

Conditions:
PLXNA1-related disorder. Also called: PLXNA1-related condition.

gnomAD v4.1: 23 of 1,613,608 alleles (0.0014%); highest among the groups gnomAD compares: Non-Finnish European, 0.0019%; no homozygotes.

Submission:

PreventionGenetics, part of Exact Sciences
Classification: Uncertain significance for PLXNA1-related condition. Last evaluated: 2024-11-27. Review status: criteria provided, single submitter. Criteria: ACMG Guidelines, 2015. Collection method: clinical testing. Allele origin: germline.
Comment: The PLXNA1 c.2185G>A variant is predicted to result in the amino acid substitution p.Ala729Thr. To our knowledge, this variant has not been reported in the literature in association with obesity. This variant was reported in an individual with autism spectrum disorder (Patient ID: AC02-1238-04, Supplementary Table S2, Lim et al. 2017. PubMed ID: 28714951). This variant is reported in 0.0035% of alleles in individuals of European (Non-Finnish) descent in gnomAD. At this time, the clinical significance of this variant is uncertain due to the absence of conclusive functional and genetic evidence.